The following is an entry in ClinVar:

NM_000245.4(MET):c.1614T>A (p.Cys538Ter)

Gene: MET (MET proto-oncogene, receptor tyrosine kinase; plus strand). Cytogenetic location: 7q31.2.
Variant type: single nucleotide variant.
Coding change: c.1614T>A on transcript NM_000245.4 (MANE Select); coding-DNA position 1614, T replaced by A.
Protein change: p.Cys538Ter; replaces cysteine 538 with a stop codon.
Molecular consequence: nonsense.
Genome position (GRCh38, 1-based): chr7:116,740,938, T>A. VCF-style: chr7-116740938-T-A. GRCh37 (hg19) VCF-style: chr7-116380992-T-A.
Other names: c.1614T>A, p.Cys538Ter (NM_001127500.3, NM_001324401.3); c.324T>A, p.Cys108Ter (NM_001324402.2); short protein forms C538*, C108*.
Identifiers: ClinVar variation 3656376 (VCV003656376.3).
Genomic context (GRCh38, chr7:116,740,938, plus strand): 5'-GGGCTGCAGACATTTCCAGTCCTGCAGTCAATGCCTCTCTGCCCCACCCTTTGTTCAGTG[T>A]GGCTGGTGCCACGACAAATGTGTGCGATCGGAGGAATGCCTGAGCGGGACATGGACTCAA-3'

ClinVar aggregate classification (germline): Uncertain significance. Review status: criteria provided, multiple submitters, no conflicts (2 of 4 stars). 2 submissions from 2 submitters: Uncertain significance (2). Last evaluated 2026-03-30.

Conditions:
Renal cell carcinoma. Identifiers: Orphanet 217071, MedGen C0007134, MeSH D002292, MONDO:0005086, HP:0005584.
Hereditary cancer-predisposing syndrome. Also called: Hereditary neoplastic syndrome; Tumor predisposition; Hereditary Cancer Syndrome; Neoplastic Syndromes, Hereditary. Identifiers: Orphanet 140162, MedGen C0027672, MeSH D009386, MONDO:0015356.

Submissions (2):

Ambry Genetics
Classification: Uncertain significance for Hereditary cancer-predisposing syndrome. Last evaluated: 2026-03-30. Review status: criteria provided, single submitter. Criteria: Ambry Variant Classification Scheme 2023. Collection method: clinical testing. Allele origin: germline.
Comment: The p.C538* variant (also known as c.1614T>A), located in coding exon 4 of the MET gene, results from a T to A substitution at nucleotide position 1614. This changes the amino acid from a cysteine to a stop codon within coding exon 4. This variant is expected to result in protein truncation or nonsense-mediated mRNA decay. However, loss of function has not been established as a mechanism of disease. Based on the available evidence, the clinical significance of this variant remains unclear.

Labcorp Genetics (formerly Invitae), Labcorp
Classification: Uncertain significance for Renal cell carcinoma. Last evaluated: 2024-06-12. Review status: criteria provided, single submitter. Criteria: Invitae Variant Classification Sherloc (09022015). Collection method: clinical testing. Allele origin: germline.
Comment: This sequence change creates a premature translational stop signal (p.Cys538*) in the MET gene. It is expected to result in an absent or disrupted protein product. However, the current clinical and genetic evidence is not sufficient to establish whether loss-of-function variants in MET cause disease. This variant is not present in population databases (gnomAD no frequency). This variant has not been reported in the literature in individuals affected with MET-related conditions. In summary, the available evidence is currently insufficient to determine the role of this variant in disease. Therefore, it has been classified as a Variant of Uncertain Significance.